The following is an entry in ClinVar:

ClinVar aggregate classification (germline): Uncertain significance. Review status: criteria provided, multiple submitters, no conflicts (2 of 4 stars). 2 submissions from 2 submitters: Uncertain significance (2). Last evaluated 2024-12-25.

Conditions:
Familial thoracic aortic aneurysm and aortic dissection (TAAD). Also called: Thoracic aortic aneurysms and dissections. Identifiers: Orphanet 91387, MedGen C4707243, MONDO:0019625.
Marfan syndrome (MFS). Also called: FBN1-Related Marfan Syndrome; Marfan's syndrome; MARFAN SYNDROME, TYPE I; Marfan syndrome type 1; Marfan syndrome, classic. Identifiers: Orphanet 284963, Orphanet 558, MedGen C0024796, MONDO:0007947, OMIM 154700.

Submissions (2):

Labcorp Genetics (formerly Invitae), Labcorp
Classification: Uncertain significance for Marfan syndrome; Familial thoracic aortic aneurysm and aortic dissection. Last evaluated: 2024-12-25. Review status: criteria provided, single submitter. Criteria: Invitae Variant Classification Sherloc (09022015). Collection method: clinical testing. Allele origin: germline.
Comment: This sequence change replaces alanine, which is neutral and non-polar, with proline, which is neutral and non-polar, at codon 18 of the FBN1 protein (p.Ala18Pro). This variant is not present in population databases (gnomAD no frequency). This variant has not been reported in the literature in individuals affected with FBN1-related conditions. ClinVar contains an entry for this variant (Variation ID: 860251). Invitae Evidence Modeling of protein sequence and biophysical properties (such as structural, functional, and spatial information, amino acid conservation, physicochemical variation, residue mobility, and thermodynamic stability) indicates that this missense variant is not expected to disrupt FBN1 protein function with a negative predictive value of 95%. In summary, the available evidence is currently insufficient to determine the role of this variant in disease. Therefore, it has been classified as a Variant of Uncertain Significance.

GeneDx
Classification: Uncertain significance. Last evaluated: 2024-08-29. Review status: criteria provided, single submitter. Criteria: GeneDx Variant Classification Process June 2021. Collection method: clinical testing. Allele origin: germline. Affected: yes.
Comment: Not observed at significant frequency in large population cohorts (gnomAD); In silico analysis supports that this missense variant has a deleterious effect on protein structure/function; Has not been previously published as pathogenic or benign to our knowledge; This variant is associated with the following publications: (PMID: 12938084)

NM_000138.5(FBN1):c.52G>C (p.Ala18Pro)

Genes: FBN1 (fibrillin 1; minus strand), LOC130057019 (ATAC-STARR-seq lymphoblastoid silent region 6417; plus strand). Cytogenetic location: 15q21.1.
Variant type: single nucleotide variant.
Coding change: c.52G>C on transcript NM_000138.5 (MANE Select); coding-DNA position 52, G replaced by C.
Protein change: p.Ala18Pro; replaces alanine 18 with proline.
Molecular consequence: missense variant.
Genome position (GRCh38, 1-based): chr15:48,644,718, C>G on the plus strand (G>C on the coding strand, the complement: FBN1 is on the minus strand). VCF-style: chr15-48644718-C-G. GRCh37 (hg19) VCF-style: chr15-48936915-C-G.
Other names: short protein forms A18P.
Identifiers: ClinVar variation 860251 (VCV000860251.8), dbSNP rs1890262148, ClinGen allele CA392453831.